The following is an entry in ClinVar:

NM_000317.3(PTS):c.236_239del (p.Tyr79fs)

Gene: PTS (6-pyruvoyltetrahydropterin synthase; plus strand). Cytogenetic location: 11q23.1.
Variant type: Microsatellite.
Coding change: c.236_239del on transcript NM_000317.3 (MANE Select); coding-DNA positions 236 to 239, 4 bases deleted (ATAT; older notation c.236_239delATAT).
Protein change: p.Tyr79fs; shifts the reading frame from tyrosine 79.
Molecular consequence: frameshift variant.
Genome position (GRCh38, 1-based): chr11:112,230,675-112,230,678, ATAT deleted; deleting any 4 consecutive bases within chr11:112,230,673-112,230,678 gives the same sequence; the c. name uses the placement nearest the transcript's 3' end. VCF-style (leftmost placement, unchanged base first): chr11-112230672-AATAT-A. GRCh37 (hg19) VCF-style: chr11-112101395-AATAT-A.
Other names: short protein forms Y79fs.
Identifiers: ClinVar variation 1076000 (VCV001076000.9), dbSNP rs1399026048, ClinGen allele CA671773987.

ClinVar aggregate classification (germline): Pathogenic (1 of 4 stars; one submission).

Conditions:
6-Pyruvoyl-tetrahydrobiopterin synthase deficiency. Also called: HYPERPHENYLALANINEMIA, TETRAHYDROBIOPTERIN-DEFICIENT, DUE TO PTS DEFICIENCY; PTS DEFICIENCY; 6-Pyruvoyltetrahydropterin Synthase Deficiency; Hyperphenylalanemia, BH4-deficient, A; Hyperphenylalaninemia due to 6-pyruvoyl-tetrahydropterin synthase deficiency; PTS-Related Tetrahydrobiopterin Deficiency. Identifiers: Orphanet 13, Orphanet 238583, MedGen C0878676, MONDO:0009863, OMIM 261640.

Submission:

Labcorp Genetics (formerly Invitae), Labcorp
Classification: Pathogenic for 6-Pyruvoyl-tetrahydrobiopterin synthase deficiency. Last evaluated: 2022-05-24. Review status: criteria provided, single submitter. Criteria: Invitae Variant Classification Sherloc (09022015). Collection method: clinical testing. Allele origin: germline.
Comment: For these reasons, this variant has been classified as Pathogenic. This variant disrupts a region of the PTS protein in which other variant(s) (p.Val132Tyrfs*19) have been determined to be pathogenic (PMID: 19280650, 20059486). This suggests that this is a clinically significant region of the protein, and that variants that disrupt it are likely to be disease-causing. This variant has not been reported in the literature in individuals affected with PTS-related conditions. This variant is not present in population databases (gnomAD no frequency). This sequence change creates a premature translational stop signal (p.Tyr79Trpfs*25) in the PTS gene. While this is not anticipated to result in nonsense mediated decay, it is expected to disrupt the last 67 amino acid(s) of the PTS protein.

Literature cited by the submitters: PubMed 19280650; PubMed 20059486.